The following is an entry in ClinVar:

ClinVar aggregate classification (germline): Uncertain significance. Review status: criteria provided, multiple submitters, no conflicts (2 of 4 stars). 2 submissions from 2 submitters: Uncertain significance (2). Last evaluated 2025-04-25.

Conditions:
Inborn genetic diseases. Identifiers: MedGen C0950123, MeSH D030342.

Allele frequency attached by ClinVar (database versions not stated): gnomAD exomes 0.00001; ExAC 0.00002; TOPMed 0.00005; gnomAD 0.00006.
gnomAD v4.1: 28 of 1,613,384 alleles (0.0017%); highest among the groups gnomAD compares: African/African-American, 0.025%; no homozygotes.

Submissions (2):

Ambry Genetics
Classification: Uncertain significance for Inborn genetic diseases. Last evaluated: 2025-04-25. Review status: criteria provided, single submitter. Criteria: Ambry Variant Classification Scheme 2023. Collection method: clinical testing. Allele origin: germline.

Labcorp Genetics (formerly Invitae), Labcorp
Classification: Uncertain significance. Last evaluated: 2024-11-05. Review status: criteria provided, single submitter. Criteria: Invitae Variant Classification Sherloc (09022015). Collection method: clinical testing. Allele origin: germline.
Comment: This sequence change replaces alanine, which is neutral and non-polar, with threonine, which is neutral and polar, at codon 777 of the AHDC1 protein (p.Ala777Thr). This variant is present in population databases (rs746679918, gnomAD 0.008%). This variant has not been reported in the literature in individuals affected with AHDC1-related conditions. ClinVar contains an entry for this variant (Variation ID: 1351171). An algorithm developed to predict the effect of missense changes on protein structure and function (PolyPhen-2) suggests that this variant is likely to be disruptive. In summary, the available evidence is currently insufficient to determine the role of this variant in disease. Therefore, it has been classified as a Variant of Uncertain Significance.

NM_001371928.1(AHDC1):c.2329G>A (p.Ala777Thr)

Gene: AHDC1 (AT-hook DNA binding motif containing 1; minus strand). Cytogenetic location: 1p36.11.
Variant type: single nucleotide variant.
Coding change: c.2329G>A on transcript NM_001371928.1 (MANE Select); coding-DNA position 2329, G replaced by A.
Protein change: p.Ala777Thr; replaces alanine 777 with threonine.
Molecular consequence: missense variant.
Genome position (GRCh38, 1-based): chr1:27,549,787, C>T on the plus strand (G>A on the coding strand, the complement: AHDC1 is on the minus strand). VCF-style: chr1-27549787-C-T. GRCh37 (hg19) VCF-style: chr1-27876298-C-T.
Other names: c.2329G>A, p.Ala777Thr (NM_001029882.3); c.2329G>A (NM_001029882.2); short protein forms A777T.
Identifiers: ClinVar variation 1351171 (VCV001351171.9), dbSNP rs746679918, ClinGen allele CA715788.